The following is an entry in ClinVar:

NM_001363118.2(SLC52A2):c.998G>A (p.Cys333Tyr)

Gene: SLC52A2 (solute carrier family 52 member 2; plus strand). Cytogenetic location: 8q24.3.
Variant type: single nucleotide variant.
Coding change: c.998G>A on transcript NM_001363118.2 (MANE Select); coding-DNA position 998, G replaced by A.
Protein change: p.Cys333Tyr; replaces cysteine 333 with tyrosine.
Molecular consequence: missense variant. On other transcripts: non-coding transcript variant (1).
Genome position (GRCh38, 1-based): chr8:144,360,490, G>A. VCF-style: chr8-144360490-G-A. GRCh37 (hg19) VCF-style: chr8-145584150-G-A.
Other names: c.998G>A, p.Cys333Tyr (NM_001253815.2, NM_001253816.2, NM_001363120.2 and 2 more transcripts); c.506G>A, p.Cys169Tyr (NM_001363122.2); short protein forms C169Y, C333Y.
Identifiers: ClinVar variation 1163310 (VCV001163310.8), dbSNP rs562964502, ClinGen allele CA4938326.
Genomic context (GRCh38, chr8:144,360,490, plus strand): 5'-CTGTGGTGCTGGGCAGTGCTGCCAATCCCCTGGCCTGCTTCCTGGCCATGGGTGTGCTGT[G>A]CAGGTACACAAGGACCCCCAGCCCCTGTGCGGGTGGAACTCAGGGCTAGGAGCCAGGTCC-3'
Protein context (NP_001350047.1, residues 323-343): LACFLAMGVL[Cys333Tyr]RSLAGLGGLS

ClinVar aggregate classification (germline): Uncertain significance. Review status: criteria provided, multiple submitters, no conflicts (2 of 4 stars). 3 submissions from 3 submitters: Uncertain significance (3). Last evaluated 2022-05-18.

Conditions:
Brown-Vialetto-van Laere syndrome 2. Also called: Riboflavin transporter deficiency type 2; SPINOCEREBELLAR ATAXIA WITH BLINDNESS AND DEAFNESS 2. Identifiers: Orphanet 572543, Orphanet 97229, MedGen C3553538, MONDO:0013867, OMIM 614707.

Allele frequency attached by ClinVar (database versions not stated): gnomAD 0.00001; gnomAD exomes 0.00007; ExAC 0.00009; 1000 Genomes Project 30x 0.00031; TOPMed 0.00002; 1000 Genomes Project 0.00020.
gnomAD v4.1: 17 of 1,595,824 alleles (0.0011%); highest among the groups gnomAD compares: Admixed American, 0.018%; no homozygotes.

Submissions (3):

Labcorp Genetics (formerly Invitae), Labcorp
Classification: Uncertain significance for Brown-Vialetto-van Laere syndrome 2. Last evaluated: 2022-05-18. Review status: criteria provided, single submitter. Criteria: Invitae Variant Classification Sherloc (09022015). Collection method: clinical testing. Allele origin: germline.
Comment: This sequence change replaces cysteine, which is neutral and slightly polar, with tyrosine, which is neutral and polar, at codon 333 of the SLC52A2 protein (p.Cys333Tyr). This variant is present in population databases (rs562964502, gnomAD 0.03%). This variant has not been reported in the literature in individuals affected with SLC52A2-related conditions. ClinVar contains an entry for this variant (Variation ID: 1163310). Advanced modeling of protein sequence and biophysical properties (such as structural, functional, and spatial information, amino acid conservation, physicochemical variation, residue mobility, and thermodynamic stability) performed at Invitae indicates that this missense variant is not expected to disrupt SLC52A2 protein function. In summary, the available evidence is currently insufficient to determine the role of this variant in disease. Therefore, it has been classified as a Variant of Uncertain Significance.

Mayo Clinic Laboratories, Mayo Clinic
Classification: Uncertain significance. Last evaluated: 2020-04-16. Review status: criteria provided, single submitter. Criteria: ACMG Guidelines, 2015. Collection method: clinical testing. Allele origin: germline. Observed: 1 variant allele.

GeneDx
Classification: Uncertain significance. Last evaluated: 2019-11-08. Review status: criteria provided, single submitter. Criteria: GeneDx Variant Classification Process June 2021. Collection method: clinical testing. Allele origin: germline. Affected: yes.
Comment: In silico analysis, which includes protein predictors and evolutionary conservation, supports that this variant does not alter protein structure/function; Has not been previously published as pathogenic or benign to our knowledge